The following is an entry in ClinVar:

NM_213655.5(WNK1):c.3633+1G>T

Gene: WNK1 (WNK lysine deficient protein kinase 1; plus strand). Cytogenetic location: 12p13.33.
Variant type: single nucleotide variant.
Coding change: c.3633+1G>T on transcript NM_213655.5 (MANE Plus Clinical); the canonical splice donor site of the intron after coding-DNA position 3633, G replaced by T.
Molecular consequence: splice donor variant. On other transcripts: intron variant (2).
Genome position (GRCh38, 1-based): chr12:869,105, G>T. VCF-style: chr12-869105-G-T. GRCh37 (hg19) VCF-style: chr12-978271-G-T.
Other names: c.3378+1G>T (NM_001184985.2); c.2140-2160G>T (NM_018979.4, NM_014823.3).
Identifiers: ClinVar variation 953647 (VCV000953647.10), dbSNP rs762015494, ClinGen allele CA6382381.

ClinVar aggregate classification (germline): Conflicting classifications of pathogenicity. Review status: criteria provided, conflicting classifications (1 of 4 stars). 4 submissions from 3 submitters: Likely pathogenic (3); Uncertain significance (1). Last evaluated 2025-02-17.

Conditions:
Neuropathy, hereditary sensory and autonomic, type 2A (HSAN2A). Also called: ACROOSTEOLYSIS, GIACCAI TYPE; ACROOSTEOLYSIS, NEUROGENIC; WNK1-Related HSAN2 (HSAN2A); HSAN IIA; MORVAN DISEASE; NEUROPATHY, CONGENITAL SENSORY. Identifiers: Orphanet 970, MedGen C2752089, MONDO:0024309, OMIM 201300.
Pseudohypoaldosteronism type 2C (PHA2C). Also called: Pseudohypoaldosteronism Type IIC. Identifiers: Orphanet 757, Orphanet 88940, MedGen C1840391, MONDO:0013778, OMIM 614492.

Allele frequency attached by ClinVar (database versions not stated): gnomAD 0.00003; gnomAD exomes 0.00006 and 0.00001; ExAC 0.00001; TOPMed 0.00002.
gnomAD v4.1: 87 of 1,613,820 alleles (0.0054%); highest among the groups gnomAD compares: Non-Finnish European, 0.0068%; no homozygotes.

Submissions (4):

Mayo Clinic Laboratories, Mayo Clinic
Classification: Uncertain significance. Last evaluated: 2025-02-17. Review status: criteria provided, single submitter. Criteria: ACMG Guidelines, 2015. Collection method: clinical testing. Allele origin: germline. Observed: 1 variant allele.
Comment: PM2_supporting, PVS1_strong

Labcorp Genetics (formerly Invitae), Labcorp
Classification: Likely pathogenic for Neuropathy, hereditary sensory and autonomic, type 2A; Pseudohypoaldosteronism type 2C. Last evaluated: 2023-04-18. Review status: criteria provided, single submitter. Criteria: Invitae Variant Classification Sherloc (09022015). Collection method: clinical testing. Allele origin: germline.
Comment: Algorithms developed to predict the effect of sequence changes on RNA splicing suggest that this variant may disrupt the consensus splice site. In summary, the currently available evidence indicates that the variant is pathogenic, but additional data are needed to prove that conclusively. Therefore, this variant has been classified as Likely Pathogenic. ClinVar contains an entry for this variant (Variation ID: 953647). This variant has not been reported in the literature in individuals affected with WNK1-related conditions. This variant is present in population databases (rs762015494, gnomAD 0.002%). This sequence change affects a donor splice site in intron 10 of the WNK1 gene. It is expected to disrupt RNA splicing. Variants that disrupt the donor or acceptor splice site typically lead to a loss of protein function (PMID: 16199547), and loss-of-function variants in WNK1 are known to be pathogenic (PMID: 22910560).

Baylor Genetics
Classification: Likely pathogenic for Pseudohypoaldosteronism type 2C. Last evaluated: 2018-11-09. Review status: criteria provided, single submitter. Criteria: ACMG Guidelines, 2015. Collection method: clinical testing. Allele origin: maternal. Affected: yes.
Comment: This variant was determined to be likely pathogenic according to ACMG Guidelines, 2015 [PMID:25741868].

Baylor Genetics
Classification: Likely pathogenic for Neuropathy, hereditary sensory and autonomic, type 2A. Last evaluated: 2018-11-09. Review status: criteria provided, single submitter. Criteria: ACMG Guidelines, 2015. Collection method: clinical testing. Allele origin: unknown. Affected: yes.
Comment: the same text as in the submission from Baylor Genetics above.

Literature cited by the submitters: PubMed 16199547 (cited by Labcorp Genetics (formerly Invitae), Labcorp); PubMed 22910560 (cited by Labcorp Genetics (formerly Invitae), Labcorp).